The following is an entry in ClinVar:

ClinVar aggregate classification (germline): Conflicting classifications of pathogenicity. Review status: criteria provided, conflicting classifications (1 of 4 stars). 3 submissions from 3 submitters: Uncertain significance (2); Benign (1). Last evaluated 2026-02-02.

Conditions:
Inborn genetic diseases. Identifiers: MedGen C0950123, MeSH D030342.

Allele frequency attached by ClinVar (database versions not stated): TOPMed 0.00001.

Submissions (3):

Labcorp Genetics (formerly Invitae), Labcorp
Classification: Benign. Last evaluated: 2026-02-02. Review status: criteria provided, single submitter. Criteria: Invitae Variant Classification Sherloc (09022015). Collection method: clinical testing. Allele origin: germline.

CeGaT Center for Human Genetics Tuebingen
Classification: Uncertain significance. Last evaluated: 2022-12-01. Review status: criteria provided, single submitter. Criteria: CeGaT Center For Human Genetics Tuebingen Variant Classification Criteria Version 2. Collection method: clinical testing. Allele origin: germline. Affected: yes. Observed: 1 variant allele.
Comment: PACS2: PM2

Ambry Genetics
Classification: Uncertain significance for Inborn genetic diseases. Last evaluated: 2021-06-14. Review status: criteria provided, single submitter. Criteria: Ambry Variant Classification Scheme 2023. Collection method: clinical testing. Allele origin: germline.

NM_001100913.3(PACS2):c.1612C>T (p.Arg538Trp)

Gene: PACS2 (phosphofurin acidic cluster sorting protein 2; plus strand). Cytogenetic location: 14q32.33.
Variant type: single nucleotide variant.
Coding change: c.1612C>T on transcript NM_001100913.3 (MANE Select); coding-DNA position 1612, C replaced by T.
Protein change: p.Arg538Trp; replaces arginine 538 with tryptophan.
Molecular consequence: missense variant.
Genome position (GRCh38, 1-based): chr14:105,382,900, C>T. VCF-style: chr14-105382900-C-T. GRCh37 (hg19) VCF-style: chr14-105849237-C-T.
Other names: c.1375C>T, p.Arg459Trp (NM_001243127.3); c.1600C>T, p.Arg534Trp (NM_015197.4); short protein forms R459W, R538W, R534W.
Identifiers: ClinVar variation 1901949 (VCV001901949.30), dbSNP rs982124932, ClinGen allele CA266575891.